The following is an entry in ClinVar:

NM_001793.6(CDH3):c.2280+7C>T

Gene: CDH3 (cadherin 3; plus strand). Cytogenetic location: 16q22.1.
Variant type: single nucleotide variant.
Coding change: c.2280+7C>T on transcript NM_001793.6 (MANE Select); 7 bases into the intron after coding-DNA position 2280, C replaced by T.
Molecular consequence: intron variant.
Genome position (GRCh38, 1-based): chr16:68,695,930, C>T. VCF-style: chr16-68695930-C-T. GRCh37 (hg19) VCF-style: chr16-68729833-C-T.
Other names: c.2115+7C>T (NM_001317196.2); c.2280+7C>T (NM_001317195.3).
Identifiers: ClinVar variation 320252 (VCV000320252.19), dbSNP rs114709429, ClinGen allele CA8129634.

ClinVar aggregate classification (germline): Benign/Likely benign. Review status: criteria provided, multiple submitters, no conflicts (2 of 4 stars). 3 submissions from 3 submitters: Benign (2); Likely benign (1). Last evaluated 2026-02-02.

Conditions:
EEM syndrome (EEMS). Identifiers: Orphanet 1897, MedGen C1857041, MONDO:0009155, OMIM 225280.

Allele frequency attached by ClinVar (database versions not stated): gnomAD exomes 0.00180; ExAC 0.00239; 1000 Genomes Project 0.00579; 1000 Genomes Project 30x 0.00593; gnomAD 0.00779; TOPMed 0.00786; ESP Exome Variant Server 0.00885.
gnomAD v4.1: 2,243 of 1,613,926 alleles (0.14%); highest among the groups gnomAD compares: African/African-American, 2.5%; 39 homozygotes.

Submissions (5):

Labcorp Genetics (formerly Invitae), Labcorp
Classification: Benign. Last evaluated: 2026-02-02. Review status: criteria provided, single submitter. Criteria: Invitae Variant Classification Sherloc (09022015). Collection method: clinical testing. Allele origin: germline.

GeneDx
Classification: Likely benign. Last evaluated: 2020-08-13. Review status: criteria provided, single submitter. Criteria: GeneDx Variant Classification Process June 2021. Collection method: clinical testing. Allele origin: germline. Affected: yes.

Illumina Laboratory Services, Illumina
Classification: Benign for EEM syndrome. Last evaluated: 2018-01-12. Review status: criteria provided, single submitter. Criteria: ICSL Variant Classification Criteria 13 December 2019. Collection method: clinical testing. Allele origin: germline.
Comment: This variant was observed in the ICSL laboratory as part of a predisposition screen in an ostensibly healthy population. It had not been previously curated by ICSL or reported in the Human Gene Mutation Database (HGMD: prior to June 1st, 2018), and was therefore a candidate for classification through an automated scoring system. Utilizing variant allele frequency, disease prevalence and penetrance estimates, and inheritance mode, an automated score was calculated to assess if this variant is too frequent to cause the disease. Based on the score and internal cut-off values, a variant classified as benign is not then subjected to further curation. The score for this variant resulted in a classification of benign for this disease.

Dr. Peter K. Rogan Lab, Western University
No classification provided (evidence only). Condition: Cervical cancer. Review status: no classification provided. Collection method: in vitro. Allele origin: not applicable. Functional consequence: retained intron. Not counted in ClinVar's aggregate classification.

Dr. Peter K. Rogan Lab, Western University
No classification provided (evidence only). Condition: Ovarian serous cystadenocarcinoma. Review status: no classification provided. Collection method: in vitro. Allele origin: not applicable. Functional consequence: retained intron. Not counted in ClinVar's aggregate classification.